The following is an entry in ClinVar:

NM_000099.4(CST3):c.22C>T (p.Pro8Ser)

Genes: CST3 (cystatin C; minus strand), LOC130065547 (ATAC-STARR-seq lymphoblastoid silent region 12734; plus strand). Cytogenetic location: 20p11.21.
Variant type: single nucleotide variant.
Coding change: c.22C>T on transcript NM_000099.4 (MANE Select); coding-DNA position 22, C replaced by T.
Protein change: p.Pro8Ser; replaces proline 8 with serine.
Molecular consequence: missense variant.
Genome position (GRCh38, 1-based): chr20:23,637,841, G>A on the plus strand (C>T on the coding strand, the complement: CST3 is on the minus strand). VCF-style: chr20-23637841-G-A. GRCh37 (hg19) VCF-style: chr20-23618478-G-A.
Other names: c.22C>T (NM_000099.3); c.22C>T, p.Pro8Ser (NM_001288614.2); short protein forms P8S.
Identifiers: ClinVar variation 3836979 (VCV003836979.3).

ClinVar aggregate classification (germline): Uncertain significance. Review status: criteria provided, multiple submitters, no conflicts (2 of 4 stars). 2 submissions from 2 submitters: Uncertain significance (2). Last evaluated 2025-02-25.

gnomAD v4.1: 20 of 1,436,188 alleles (0.0014%); highest among the groups gnomAD compares: Admixed American, 0.0062%; no homozygotes.

Submissions (2):

Ambry Genetics
Classification: Uncertain significance. Last evaluated: 2025-02-25. Review status: criteria provided, single submitter. Criteria: Ambry Variant Classification Scheme 2023. Collection method: clinical testing. Allele origin: germline.

Genetic Services Laboratory, University of Chicago
Classification: Uncertain significance. Last evaluated: 2024-05-24. Review status: criteria provided, single submitter. Criteria: ACMG Guidelines, 2015. Collection method: clinical testing. Allele origin: germline. Affected: no.
Comment: DNA sequence analysis of the CST3 gene demonstrated a sequence change, c.22C>T, in exon 1 that results in an amino acid change, p.Pro8Ser. This sequence change does not appear to have been previously described in individuals with CST3-related disorders. This sequence change has been described in the gnomAD database in one individual which corresponds to a population frequency of 0.002% (dbSNP rs925487588). The p.Pro8Ser change affects a poorly conserved amino acid residue located in a domain of the CST3 protein that is not known to be functional. The p.Pro8Ser substitution appears to be benign using several in-silico pathogenicity prediction tools (SIFT, PolyPhen2, Align GVGD, REVEL). Due to insufficient evidences and the lack of functional studies, the clinical significance of the p.Pro8Ser change remains unknown at this time.